The following is an entry in ClinVar:

ClinVar aggregate classification (germline): Uncertain significance (1 of 4 stars; one submission).

Allele frequency attached by ClinVar (database versions not stated): gnomAD exomes below 0.00001.
gnomAD v4.1: 6 of 1,614,070 alleles (0.00037%); highest among the groups gnomAD compares: Non-Finnish European, 0.00051%; no homozygotes.

Submission:

Labcorp Genetics (formerly Invitae), Labcorp
Classification: Uncertain significance. Last evaluated: 2022-04-07. Review status: criteria provided, single submitter. Criteria: Invitae Variant Classification Sherloc (09022015). Collection method: clinical testing. Allele origin: germline.
Comment: In summary, the available evidence is currently insufficient to determine the role of this variant in disease. Therefore, it has been classified as a Variant of Uncertain Significance. Algorithms developed to predict the effect of missense changes on protein structure and function are either unavailable or do not agree on the potential impact of this missense change (SIFT: "Deleterious"; PolyPhen-2: "Probably Damaging"; Align-GVGD: "Class C0"). This variant has not been reported in the literature in individuals affected with LRP6-related conditions. This variant is not present in population databases (gnomAD no frequency). This sequence change replaces isoleucine, which is neutral and non-polar, with methionine, which is neutral and non-polar, at codon 181 of the LRP6 protein (p.Ile181Met).

NM_002336.3(LRP6):c.543T>G (p.Ile181Met)

Gene: LRP6 (LDL receptor related protein 6; minus strand). Cytogenetic location: 12p13.2.
Variant type: single nucleotide variant.
Coding change: c.543T>G on transcript NM_002336.3 (MANE Select); coding-DNA position 543, T replaced by G.
Protein change: p.Ile181Met; replaces isoleucine 181 with methionine.
Molecular consequence: missense variant.
Genome position (GRCh38, 1-based): chr12:12,203,307, A>C on the plus strand (T>G on the coding strand, the complement: LRP6 is on the minus strand). VCF-style: chr12-12203307-A-C. GRCh37 (hg19) VCF-style: chr12-12356241-A-C.
Other names: c.543T>G, p.Ile181Met (NM_001414244.1, NM_001414245.1, NM_001414246.1 and 5 more transcripts); c.90T>G, p.Ile30Met (NM_001414252.1, NM_001414253.1, NM_001414254.1); short protein forms I181M, I30M.
Identifiers: ClinVar variation 2093119 (VCV002093119.4), dbSNP rs1565642841, ClinGen allele CA383956387.
Genomic context (GRCh38, chr12:12,203,307, plus strand): 5'-TGCATCTGCCCAATAAAGCTTTTGTTCTTCATAATCCAAAGTCAGTCCATTTGGCCAGTA[A>C]ATTTCACTGTTTATTATAATGAAGCGACTTGAACCATCCATTCCAGCACGTTCTATCTTT-3'
Protein context (NP_002327.2, residues 171-191): SSRFIIINSE[Ile181Met]YWPNGLTLDY